The following is an entry in ClinVar:

NM_001375524.1(TRRAP):c.8644A>G (p.Ser2882Gly)

Gene: TRRAP (transformation/transcription domain associated protein; plus strand). Cytogenetic location: 7q22.1.
Variant type: single nucleotide variant.
Coding change: c.8644A>G on transcript NM_001375524.1 (MANE Select); coding-DNA position 8644, A replaced by G.
Protein change: p.Ser2882Gly; replaces serine 2882 with glycine.
Molecular consequence: missense variant.
Genome position (GRCh38, 1-based): chr7:98,981,778, A>G. VCF-style: chr7-98981778-A-G. GRCh37 (hg19) VCF-style: chr7-98579401-A-G.
Other names: c.8623A>G, p.Ser2875Gly (NM_001244580.2); c.8569A>G, p.Ser2857Gly (NM_003496.4); short protein forms S2857G, S2875G, S2882G.
Identifiers: ClinVar variation 1809818 (VCV001809818.1), dbSNP rs1792933099, ClinGen allele CA368309987.

ClinVar aggregate classification (germline): Uncertain significance (1 of 4 stars; one submission).

Allele frequency attached by ClinVar (database versions not stated): gnomAD exomes below 0.00001; TOPMed 0.00001.
gnomAD v4.1: 2 of 1,599,866 alleles (0.00013%); highest among the groups gnomAD compares: Non-Finnish European, 0.000085%; no homozygotes.

Submission:

GeneDx
Classification: Uncertain significance. Last evaluated: 2022-07-01. Review status: criteria provided, single submitter. Criteria: GeneDx Variant Classification Process June 2021. Collection method: clinical testing. Allele origin: germline. Affected: yes.
Comment: Not observed at significant frequency in large population cohorts (gnomAD); In silico analysis supports that this missense variant does not alter protein structure/function; Has not been previously published as pathogenic or benign to our knowledge